The following is an entry in ClinVar:

NM_004168.4(SDHA):c.172G>A (p.Val58Met)

Gene: SDHA (succinate dehydrogenase complex flavoprotein subunit A; plus strand). Cytogenetic location: 5p15.33.
Variant type: single nucleotide variant.
Coding change: c.172G>A on transcript NM_004168.4 (MANE Select); coding-DNA position 172, G replaced by A.
Protein change: p.Val58Met; replaces valine 58 with methionine.
Molecular consequence: missense variant.
Genome position (GRCh38, 1-based): chr5:224,381, G>A. VCF-style: chr5-224381-G-A. GRCh37 (hg19) VCF-style: chr5-224496-G-A.
Other names: c.172G>A, p.Val58Met (NM_001294332.2, NM_001330758.2); short protein forms V58M.
Identifiers: ClinVar variation 1778954 (VCV001778954.5), dbSNP rs2477285527, ClinGen allele CA359008412.

ClinVar aggregate classification (germline): Uncertain significance. Review status: criteria provided, multiple submitters, no conflicts (2 of 4 stars). 2 submissions from 2 submitters: Uncertain significance (2). Last evaluated 2023-04-20.

Conditions:
Mitochondrial complex II deficiency, nuclear type 1. Also called: SUCCINATE CoQ REDUCTASE DEFICIENCY. Identifiers: Orphanet 3208, MedGen C5700310, MONDO:0100294, OMIM 252011.
Pheochromocytoma/paraganglioma syndrome 5. Also called: Paragangliomas 5; SDHA-Related Hereditary Paraganglioma-Pheochromocytoma Syndrome. Identifiers: Orphanet 29072, MedGen C3279992, MONDO:0013602, OMIM 614165.
Hereditary cancer-predisposing syndrome. Also called: Tumor predisposition; Hereditary Cancer Syndrome; Hereditary neoplastic syndrome; Neoplastic Syndromes, Hereditary. Identifiers: Orphanet 140162, MedGen C0027672, MeSH D009386, MONDO:0015356.

Allele frequency attached by ClinVar (database versions not stated): gnomAD exomes below 0.00001.
gnomAD v4.1: 1 of 1,613,516 alleles (0.000062%); highest among the groups gnomAD compares: South Asian, 0.0011%; no homozygotes.

Submissions (2):

Labcorp Genetics (formerly Invitae), Labcorp
Classification: Uncertain significance for Pheochromocytoma/paraganglioma syndrome 5; Mitochondrial complex II deficiency, nuclear type 1. Last evaluated: 2023-04-20. Review status: criteria provided, single submitter. Criteria: Invitae Variant Classification Sherloc (09022015). Collection method: clinical testing. Allele origin: germline.
Comment: In summary, the available evidence is currently insufficient to determine the role of this variant in disease. Therefore, it has been classified as a Variant of Uncertain Significance. Advanced modeling of protein sequence and biophysical properties (such as structural, functional, and spatial information, amino acid conservation, physicochemical variation, residue mobility, and thermodynamic stability) performed at Invitae indicates that this missense variant is not expected to disrupt SDHA protein function. ClinVar contains an entry for this variant (Variation ID: 1778954). This variant has not been reported in the literature in individuals affected with SDHA-related conditions. This variant is not present in population databases (gnomAD no frequency). This sequence change replaces valine, which is neutral and non-polar, with methionine, which is neutral and non-polar, at codon 58 of the SDHA protein (p.Val58Met).

Ambry Genetics
Classification: Uncertain significance for Hereditary cancer-predisposing syndrome. Last evaluated: 2021-05-10. Review status: criteria provided, single submitter. Criteria: Ambry Variant Classification Scheme 2023. Collection method: clinical testing. Allele origin: germline.
Comment: The p.V58M variant (also known as c.172G>A), located in coding exon 3 of the SDHA gene, results from a G to A substitution at nucleotide position 172. The valine at codon 58 is replaced by methionine, an amino acid with highly similar properties. This amino acid position is highly conserved in available vertebrate species. In addition, the in silico prediction for this alteration is inconclusive. Since supporting evidence is limited at this time, the clinical significance of this alteration remains unclear.